The following is an entry in ClinVar:

NM_001365999.1(SZT2):c.8944C>T (p.His2982Tyr)

Gene: SZT2 (SZT2 subunit of KICSTOR complex; plus strand). Cytogenetic location: 1p34.2.
Variant type: single nucleotide variant.
Coding change: c.8944C>T on transcript NM_001365999.1 (MANE Select); coding-DNA position 8944, C replaced by T.
Protein change: p.His2982Tyr; replaces histidine 2982 with tyrosine.
Molecular consequence: missense variant.
Genome position (GRCh38, 1-based): chr1:43,446,206, C>T. VCF-style: chr1-43446206-C-T. GRCh37 (hg19) VCF-style: chr1-43911877-C-T.
Other names: c.8773C>T, p.His2925Tyr (NM_015284.4); short protein forms H2925Y, H2982Y.
Identifiers: ClinVar variation 423419 (VCV000423419.14), dbSNP rs754779853, ClinGen allele CA810768.

ClinVar aggregate classification (germline): Conflicting classifications of pathogenicity. Review status: criteria provided, conflicting classifications (1 of 4 stars). 4 submissions from 4 submitters: Uncertain significance (2); Likely benign (1). 1 of the submissions does not count toward it. Last evaluated 2026-09-22.

Conditions:
SZT2-related disorder. Also called: SZT2-related condition.
Developmental and epileptic encephalopathy, 18 (DEE18). Also called: Early infantile epileptic encephalopathy 18. Identifiers: Orphanet 369894, MedGen C3809624, MONDO:0014201, OMIM 615476.

Allele frequency attached by ClinVar (database versions not stated): gnomAD exomes 0.00034 and 0.00004; gnomAD 0.00045; TOPMed 0.00019; ExAC 0.00026.
gnomAD v4.1: 71 of 1,614,144 alleles (0.0044%); highest among the groups gnomAD compares: East Asian, 0.15%; no homozygotes.

Submissions (4):

GeneDx
Classification: Uncertain significance. Last evaluated: 2026-09-22. Review status: criteria provided, single submitter. Criteria: GeneDx Variant Classification Process June 2021. Collection method: clinical testing. Allele origin: germline.
Comment: Identified with a second SZT2 variant on the opposite allele (in trans) in a patient with partial epilepsy in the published literature (PMID: 37213690); In silico analysis suggests that this missense variant does not alter protein structure/function; This variant is associated with the following publications: (PMID: 37213690)

Labcorp Genetics (formerly Invitae), Labcorp
Classification: Likely benign. Last evaluated: 2025-08-18. Review status: criteria provided, single submitter. Criteria: Invitae Variant Classification Sherloc (09022015). Collection method: clinical testing. Allele origin: germline.

Fulgent Genetics
Classification: Uncertain significance for Developmental and epileptic encephalopathy, 18. Last evaluated: 2018-10-31. Review status: criteria provided, single submitter. Criteria: ACMG Guidelines, 2015. Collection method: clinical testing. Allele origin: unknown.

PreventionGenetics, part of Exact Sciences
Classification: Likely benign for SZT2-related condition. Last evaluated: 2020-05-04. Review status: no assertion criteria provided. Collection method: clinical testing. Allele origin: germline. Not counted in ClinVar's aggregate classification.
Comment: This variant is classified as likely benign based on ACMG/AMP sequence variant interpretation guidelines (Richards et al. 2015 PMID: 25741868, with internal and published modifications).